The following is an entry in ClinVar:

ClinVar aggregate classification (germline): Uncertain significance (1 of 4 stars; one submission).

Conditions:
Inborn genetic diseases. Identifiers: MedGen C0950123, MeSH D030342.

Submission:

Ambry Genetics
Classification: Uncertain significance for Inborn genetic diseases. Last evaluated: 2025-02-05. Review status: criteria provided, single submitter. Criteria: Ambry Variant Classification Scheme 2023. Collection method: clinical testing. Allele origin: germline.
Comment: The p.L870S variant (also known as c.2609T>C), located in coding exon 12 of the BMPR2 gene, results from a T to C substitution at nucleotide position 2609. The leucine at codon 870 is replaced by serine, an amino acid with dissimilar properties. This amino acid position is conserved. In addition, this alteration is predicted to be deleterious by in silico analysis. Based on the available evidence, the clinical significance of this variant remains unclear.

NM_001204.7(BMPR2):c.2609T>C (p.Leu870Ser)

Gene: BMPR2 (bone morphogenetic protein receptor type 2; plus strand). Cytogenetic location: 2q33.2.
Variant type: single nucleotide variant.
Coding change: c.2609T>C on transcript NM_001204.7 (MANE Select); coding-DNA position 2609, T replaced by C.
Protein change: p.Leu870Ser; replaces leucine 870 with serine.
Molecular consequence: missense variant.
Genome position (GRCh38, 1-based): chr2:202,556,274, T>C. VCF-style: chr2-202556274-T-C. GRCh37 (hg19) VCF-style: chr2-203420997-T-C.
Other names: short protein forms L870S.
Identifiers: ClinVar variation 3824883 (VCV003824883.1).